The following is an entry in ClinVar:

ClinVar aggregate classification (germline): Uncertain significance. Review status: criteria provided, multiple submitters, no conflicts (2 of 4 stars). 2 submissions from 2 submitters: Uncertain significance (2). Last evaluated 2023-12-05.

Conditions:
Hereditary cancer-predisposing syndrome. Also called: Neoplastic Syndromes, Hereditary; Tumor predisposition; Hereditary Cancer Syndrome; Hereditary neoplastic syndrome. Identifiers: Orphanet 140162, MedGen C0027672, MeSH D009386, MONDO:0015356.

Submissions (2):

Color Diagnostics, LLC DBA Color Health
Classification: Uncertain significance for Hereditary cancer-predisposing syndrome. Last evaluated: 2023-12-05. Review status: criteria provided, single submitter. Criteria: ACMG Guidelines, 2015. Collection method: clinical testing. Allele origin: germline.
Comment: This missense variant replaces alanine with threonine at codon 788 of the CDH1 protein. Splice site prediction tools suggest that this variant may not impact RNA splicing. To our knowledge, functional studies have not been reported for this variant. This variant has not been reported in individuals affected with hereditary cancer in the literature. This variant has not been identified in the general population by the Genome Aggregation Database (gnomAD). The available evidence is insufficient to determine the role of this variant in disease conclusively. Therefore, this variant is classified as a Variant of Uncertain Significance.

Ambry Genetics
Classification: Uncertain significance for Hereditary cancer-predisposing syndrome. Last evaluated: 2022-07-19. Review status: criteria provided, single submitter. Criteria: Ambry Variant Classification Scheme 2023. Collection method: clinical testing. Allele origin: germline.
Comment: The p.A788T variant (also known as c.2362G>A), located in coding exon 15 of the CDH1 gene, results from a G to A substitution at nucleotide position 2362. The alanine at codon 788 is replaced by threonine, an amino acid with similar properties. This amino acid position is conserved. In addition, this alteration is predicted to be tolerated by in silico analysis. Since supporting evidence is limited at this time, the clinical significance of this alteration remains unclear.

NM_004360.5(CDH1):c.2362G>A (p.Ala788Thr)

Gene: CDH1 (cadherin 1; plus strand). Cytogenetic location: 16q22.1.
Variant type: single nucleotide variant.
Coding change: c.2362G>A on transcript NM_004360.5 (MANE Select); coding-DNA position 2362, G replaced by A.
Protein change: p.Ala788Thr; replaces alanine 788 with threonine.
Molecular consequence: missense variant.
Genome position (GRCh38, 1-based): chr16:68,829,720, G>A. VCF-style: chr16-68829720-G-A. GRCh37 (hg19) VCF-style: chr16-68863623-G-A.
Other names: c.2179G>A, p.Ala727Thr (NM_001317184.2); c.814G>A, p.Ala272Thr (NM_001317185.2); c.397G>A, p.Ala133Thr (NM_001317186.2); short protein forms A727T, A788T, A133T, A272T.
Identifiers: ClinVar variation 926338 (VCV000926338.7), dbSNP rs1961428876, ClinGen allele CA396471054.